The following is an entry in ClinVar:

ClinVar aggregate classification (germline): Uncertain significance (1 of 4 stars; one submission).

Conditions:
Cardiovascular phenotype. Identifiers: MedGen CN230736.

Submission:

Ambry Genetics
Classification: Uncertain significance for Cardiovascular phenotype. Last evaluated: 2026-02-06. Review status: criteria provided, single submitter. Criteria: Ambry Variant Classification Scheme 2023. Collection method: clinical testing. Allele origin: germline.
Comment: The p.Q271R variant (also known as c.812A>G), located in coding exon 8 of the DMD gene, results from an A to G substitution at nucleotide position 812. The glutamine at codon 271 is replaced by arginine, an amino acid with highly similar properties. This amino acid position is well conserved in available vertebrate species. In addition, this alteration is predicted to be tolerated by in silico analysis. Based on the available evidence, the clinical significance of this variant remains unclear.

NM_004006.3(DMD):c.812A>G (p.Gln271Arg)

Gene: DMD (dystrophin; minus strand). Cytogenetic location: Xp21.1.
Variant type: single nucleotide variant.
Coding change: c.812A>G on transcript NM_004006.3 (MANE Select); coding-DNA position 812, A replaced by G.
Protein change: p.Gln271Arg; replaces glutamine 271 with arginine.
Molecular consequence: missense variant.
Genome position (GRCh38, 1-based): chrX:32,699,131, T>C on the plus strand (A>G on the coding strand, the complement: DMD is on the minus strand). VCF-style: chrX-32699131-T-C. GRCh37 (hg19) VCF-style: chrX-32717248-T-C.
Other names: c.788A>G, p.Gln263Arg (NM_000109.4); c.800A>G, p.Gln267Arg (NM_004009.3); c.443A>G, p.Gln148Arg (NM_004010.3); short protein forms Q267R, Q271R, Q263R, Q148R.
Identifiers: ClinVar variation 4824038 (VCV004824038.1).